The following is an entry in ClinVar:

NM_004525.3(LRP2):c.12812-1G>T

Gene: LRP2 (LDL receptor related protein 2; minus strand). Cytogenetic location: 2q31.1.
Variant type: single nucleotide variant.
Coding change: c.12812-1G>T on transcript NM_004525.3 (MANE Select); the canonical splice acceptor site of the intron before coding-DNA position 12812, G replaced by T.
Molecular consequence: splice acceptor variant.
Genome position (GRCh38, 1-based): chr2:169,145,924, C>A on the plus strand (G>T on the coding strand, the complement: LRP2 is on the minus strand). VCF-style: chr2-169145924-C-A. GRCh37 (hg19) VCF-style: chr2-170002434-C-A.
Identifiers: ClinVar variation 3658950 (VCV003658950.2).

ClinVar aggregate classification (germline): Likely pathogenic (1 of 4 stars; one submission).

Submission:

Labcorp Genetics (formerly Invitae), Labcorp
Classification: Likely pathogenic. Last evaluated: 2024-07-06. Review status: criteria provided, single submitter. Criteria: Invitae Variant Classification Sherloc (09022015). Collection method: clinical testing. Allele origin: germline.
Comment: This sequence change affects an acceptor splice site in intron 69 of the LRP2 gene. It is expected to disrupt RNA splicing. Variants that disrupt the donor or acceptor splice site typically lead to a loss of protein function (PMID: 16199547), and loss-of-function variants in LRP2 are known to be pathogenic (PMID: 17632512, 25682901). This variant is not present in population databases (gnomAD no frequency). This variant has not been reported in the literature in individuals affected with LRP2-related conditions. Algorithms developed to predict the effect of sequence changes on RNA splicing suggest that this variant may disrupt the consensus splice site. In summary, the currently available evidence indicates that the variant is pathogenic, but additional data are needed to prove that conclusively. Therefore, this variant has been classified as Likely Pathogenic.

Literature cited by the submitters: PubMed 16199547; PubMed 17632512; PubMed 25682901.